The following is an entry in ClinVar:

ClinVar aggregate classification (germline): Uncertain significance. Review status: criteria provided, multiple submitters, no conflicts (2 of 4 stars). 2 submissions from 2 submitters: Uncertain significance (2). Last evaluated 2025-08-10.

Conditions:
Methylmalonic acidemia due to transcobalamin receptor defect (MATR). Also called: METHYLMALONIC ACIDURIA, TRANSIENT, DUE TO TRANSCOBALAMIN RECEPTOR DEFECT; METHYLMALONIC ACIDEMIA, TCblR TYPE. Identifiers: Orphanet 280183, MedGen C4749905, MONDO:0013341, OMIM 613646.

Allele frequency attached by ClinVar (database versions not stated): gnomAD 0.00001; gnomAD exomes 0.00001; TOPMed 0.00001; 1000 Genomes Project 30x 0.00016; 1000 Genomes Project 0.00020.
gnomAD v4.1: 7 of 1,613,960 alleles (0.00043%); highest among the groups gnomAD compares: Admixed American, 0.0083%; no homozygotes.

Submissions (2):

Ambry Genetics
Classification: Uncertain significance. Last evaluated: 2025-08-10. Review status: criteria provided, single submitter. Criteria: Ambry Variant Classification Scheme 2023. Collection method: clinical testing. Allele origin: germline.

Labcorp Genetics (formerly Invitae), Labcorp
Classification: Uncertain significance for Methylmalonic acidemia due to transcobalamin receptor defect. Last evaluated: 2025-07-27. Review status: criteria provided, single submitter. Criteria: Invitae Variant Classification Sherloc (09022015). Collection method: clinical testing. Allele origin: germline.
Comment: This sequence change replaces proline, which is neutral and non-polar, with leucine, which is neutral and non-polar, at codon 184 of the CD320 protein (p.Pro184Leu). This variant is present in population databases (rs529629965, gnomAD 0.01%). This variant has not been reported in the literature in individuals affected with CD320-related conditions. ClinVar contains an entry for this variant (Variation ID: 2168063). An algorithm developed to predict the effect of missense changes on protein structure and function (PolyPhen-2) suggests that this variant is likely to be disruptive. In summary, the available evidence is currently insufficient to determine the role of this variant in disease. Therefore, it has been classified as a Variant of Uncertain Significance.

NM_016579.4(CD320):c.551C>T (p.Pro184Leu)

Gene: CD320 (CD320 molecule; minus strand). Cytogenetic location: 19p13.2.
Variant type: single nucleotide variant.
Coding change: c.551C>T on transcript NM_016579.4 (MANE Select); coding-DNA position 551, C replaced by T.
Protein change: p.Pro184Leu; replaces proline 184 with leucine.
Molecular consequence: missense variant.
Genome position (GRCh38, 1-based): chr19:8,302,932, G>A on the plus strand (C>T on the coding strand, the complement: CD320 is on the minus strand). VCF-style: chr19-8302932-G-A. GRCh37 (hg19) VCF-style: chr19-8367816-G-A.
Other names: c.425C>T, p.Pro142Leu (NM_001165895.2); c.551C>T (NM_016579.3); short protein forms P184L, P142L.
Identifiers: ClinVar variation 2168063 (VCV002168063.5), dbSNP rs529629965, ClinGen allele CA9154684.